The following is an entry in ClinVar:

NM_001399.5(EDA):c.397-2A>T

Gene: EDA (ectodysplasin A; plus strand). Cytogenetic location: Xq13.1.
Variant type: single nucleotide variant.
Coding change: c.397-2A>T on transcript NM_001399.5 (MANE Select); the canonical splice acceptor site of the intron before coding-DNA position 397, A replaced by T.
Molecular consequence: splice acceptor variant.
Genome position (GRCh38, 1-based): chrX:69,957,025, A>T. VCF-style: chrX-69957025-A-T. GRCh37 (hg19) VCF-style: chrX-69176875-A-T.
Other names: c.397-2A>T (NM_001005609.2, NM_001005612.3).
Identifiers: ClinVar variation 2823886 (VCV002823886.3), dbSNP rs2520242340, ClinGen allele CA413447804.

ClinVar aggregate classification (germline): Pathogenic (1 of 4 stars; one submission).

Conditions:
Hypohidrotic X-linked ectodermal dysplasia (XHED). Also called: ECTODERMAL DYSPLASIA 1; Anhidrotic ectodermal dysplasia X-linked; Christ Siemens Touraine syndrome; ECTODERMAL DYSPLASIA 1, HYPOHIDROTIC/HAIR/TOOTH TYPE, X-LINKED; ECTODERMAL DYSPLASIA 1, HYPOHIDROTIC, X-LINKED; ECTODERMAL DYSPLASIA, HYPOHIDROTIC, 1. Identifiers: Orphanet 181, Orphanet 238468, MedGen C0162359, MONDO:0010585, OMIM 305100.

Submission:

Labcorp Genetics (formerly Invitae), Labcorp
Classification: Pathogenic for Hypohidrotic X-linked ectodermal dysplasia. Last evaluated: 2025-01-15. Review status: criteria provided, single submitter. Criteria: Invitae Variant Classification Sherloc (09022015). Collection method: clinical testing. Allele origin: germline.
Comment: This sequence change affects an acceptor splice site in intron 1 of the EDA gene. It is expected to disrupt RNA splicing. Variants that disrupt the donor or acceptor splice site typically lead to a loss of protein function (PMID: 16199547), and loss-of-function variants in EDA are known to be pathogenic (PMID: 9683615). This variant is not present in population databases (gnomAD no frequency). Disruption of this splice site has been observed in individuals with ectodermal dysplasia (PMID: 20979233; internal data). ClinVar contains an entry for this variant (Variation ID: 2823886). Algorithms developed to predict the effect of sequence changes on RNA splicing suggest that this variant may disrupt the consensus splice site. For these reasons, this variant has been classified as Pathogenic.

Literature cited by the submitters: PubMed 16199547; PubMed 9683615; PubMed 20979233.